The following is an entry in ClinVar:

NM_004260.4(RECQL4):c.1205C>G (p.Ser402Cys)

Gene: RECQL4 (RecQ like helicase 4; minus strand). Cytogenetic location: 8q24.3.
Variant type: single nucleotide variant.
Coding change: c.1205C>G on transcript NM_004260.4 (MANE Select); coding-DNA position 1205, C replaced by G.
Protein change: p.Ser402Cys; replaces serine 402 with cysteine.
Molecular consequence: missense variant. On other transcripts: synonymous variant (5), non-coding transcript variant (3), intron variant (1).
Genome position (GRCh38, 1-based): chr8:144,515,817, G>C on the plus strand (C>G on the coding strand, the complement: RECQL4 is on the minus strand). VCF-style: chr8-144515817-G-C. GRCh37 (hg19) VCF-style: chr8-145741201-G-C.
Other names: c.1109C>G, p.Ser370Cys (NM_001413017.1, NM_001413020.1); c.1205C>G, p.Ser402Cys (NM_001413018.1, NM_001413019.1, NM_001413033.1 and 2 more transcripts); c.134C>G, p.Ser45Cys (NM_001413021.1, NM_001413022.1, NM_001413023.1 and 8 more transcripts); c.1076C>G, p.Ser359Cys (NM_001413025.1); c.72C>G, p.Val24= (NM_001413027.1, NM_001413030.1, NM_001413031.1 and 2 more transcripts); c.854C>G, p.Ser285Cys (NM_001413029.1); c.-210+171C>G (NM_001413043.1); short protein forms S402C, S285C, S359C, S370C, S45C.
Identifiers: ClinVar variation 4844361 (VCV004844361.1).

ClinVar aggregate classification (germline): Uncertain significance (1 of 4 stars; one submission).

Conditions:
Inborn genetic diseases. Identifiers: MedGen C0950123, MeSH D030342.

Submission:

Ambry Genetics
Classification: Uncertain significance for Inborn genetic diseases. Last evaluated: 2026-02-16. Review status: criteria provided, single submitter. Criteria: Ambry Variant Classification Scheme 2023. Collection method: clinical testing. Allele origin: germline.
Comment: The p.S402C variant (also known as c.1205C>G), located in coding exon 6 of the RECQL4 gene, results from a C to G substitution at nucleotide position 1205. The serine at codon 402 is replaced by cysteine, an amino acid with dissimilar properties. This amino acid position is conserved. In addition, this alteration is predicted to be tolerated by in silico analysis. Based on the available evidence, the clinical significance of this variant remains unclear.